The following is an entry in ClinVar:

NM_000168.6(GLI3):c.4108A>G (p.Met1370Val)

Gene: GLI3 (GLI family zinc finger 3; minus strand). Cytogenetic location: 7p14.1.
Variant type: single nucleotide variant.
Coding change: c.4108A>G on transcript NM_000168.6 (MANE Select); coding-DNA position 4108, A replaced by G.
Protein change: p.Met1370Val; replaces methionine 1370 with valine.
Molecular consequence: missense variant.
Genome position (GRCh38, 1-based): chr7:41,964,965, T>C on the plus strand (A>G on the coding strand, the complement: GLI3 is on the minus strand). VCF-style: chr7-41964965-T-C. GRCh37 (hg19) VCF-style: chr7-42004563-T-C.
Other names: short protein forms M1370V.
Identifiers: ClinVar variation 1806532 (VCV001806532.2), dbSNP rs2484366401, ClinGen allele CA367315747.

ClinVar aggregate classification (germline): Uncertain significance. Review status: criteria provided, multiple submitters, no conflicts (2 of 4 stars). 2 submissions from 2 submitters: Uncertain significance (2). Last evaluated 2025-08-05.

Conditions:
Inborn genetic diseases. Identifiers: MedGen C0950123, MeSH D030342.

Submissions (2):

Ambry Genetics
Classification: Uncertain significance for Inborn genetic diseases. Last evaluated: 2025-08-05. Review status: criteria provided, single submitter. Criteria: Ambry Variant Classification Scheme 2023. Collection method: clinical testing. Allele origin: germline.

GeneDx
Classification: Uncertain significance. Last evaluated: 2022-06-23. Review status: criteria provided, single submitter. Criteria: GeneDx Variant Classification Process June 2021. Collection method: clinical testing. Allele origin: germline. Affected: yes.
Comment: Not observed at significant frequency in large population cohorts (gnomAD); In silico analysis supports that this missense variant does not alter protein structure/function; Has not been previously published as pathogenic or benign to our knowledge